The following is an entry in ClinVar:

ClinVar aggregate classification (germline): Uncertain significance. Review status: criteria provided, multiple submitters, no conflicts (2 of 4 stars). 3 submissions from 3 submitters: Uncertain significance (3). Last evaluated 2023-10-02.

Conditions:
Primary ciliary dyskinesia. Also called: Ciliary dyskinesia. Identifiers: Orphanet 244, MedGen C0008780, MONDO:0016575, HP:0012265.
Inborn genetic diseases. Identifiers: MedGen C0950123, MeSH D030342.

Allele frequency attached by ClinVar (database versions not stated): TOPMed 0.00004; gnomAD 0.00003; ExAC 0.00004; gnomAD exomes 0.00005.
gnomAD v4.1: 82 of 1,613,998 alleles (0.0051%); highest among the groups gnomAD compares: Middle Eastern, 0.099%; no homozygotes.

Submissions (3):

Ambry Genetics
Classification: Uncertain significance for Inborn genetic diseases. Last evaluated: 2023-10-02. Review status: criteria provided, single submitter. Criteria: Ambry Variant Classification Scheme 2023. Collection method: clinical testing. Allele origin: germline.

Molecular Genetics McLendon Clinical Laboratories, University of North Carolina at Chapel Hill
Classification: Uncertain significance for Primary ciliary dyskinesia. Last evaluated: 2023-01-26. Review status: criteria provided, single submitter. Criteria: ACMG Guidelines, 2015. Collection method: clinical testing. Allele origin: germline.

Labcorp Genetics (formerly Invitae), Labcorp
Classification: Uncertain significance. Last evaluated: 2022-09-24. Review status: criteria provided, single submitter. Criteria: Invitae Variant Classification Sherloc (09022015). Collection method: clinical testing. Allele origin: germline.
Comment: This sequence change replaces arginine, which is basic and polar, with tryptophan, which is neutral and slightly polar, at codon 3550 of the DNAH9 protein (p.Arg3550Trp). This variant is present in population databases (rs765601992, gnomAD 0.02%). This variant has not been reported in the literature in individuals affected with DNAH9-related conditions. Advanced modeling of protein sequence and biophysical properties (such as structural, functional, and spatial information, amino acid conservation, physicochemical variation, residue mobility, and thermodynamic stability) performed at Invitae indicates that this missense variant is expected to disrupt DNAH9 protein function. In summary, the available evidence is currently insufficient to determine the role of this variant in disease. Therefore, it has been classified as a Variant of Uncertain Significance.

NM_001372.4(DNAH9):c.10648C>T (p.Arg3550Trp)

Genes: DNAH9 (dynein axonemal heavy chain 9; plus strand), LOC101928350 (uncharacterized LOC101928350; minus strand). Cytogenetic location: 17p12.
Variant type: single nucleotide variant.
Coding change: c.10648C>T on transcript NM_001372.4 (MANE Select); coding-DNA position 10648, C replaced by T.
Protein change: p.Arg3550Trp; replaces arginine 3550 with tryptophan.
Molecular consequence: missense variant.
Genome position (GRCh38, 1-based): chr17:11,881,255, C>T. VCF-style: chr17-11881255-C-T. GRCh37 (hg19) VCF-style: chr17-11784572-C-T.
Other names: c.10648C>T (NM_001372.3); short protein forms R3550W.
Identifiers: ClinVar variation 1970673 (VCV001970673.4), dbSNP rs765601992, ClinGen allele CA8397604.
Genomic context (GRCh38, chr17:11,881,255, plus strand): 5'-CCTTTATGTTCCAGATTCATTAAAATTGGAGACAAAGAATGTGAATACAATCCCAAGTTC[C>T]GGCTCATCCTCCACACCAAGCTGGCTAATCCTCACTACCAGCCTGAGCTGCAGGCTCAGG-3'
Protein context (NP_001363.2, residues 3540-3560): DKECEYNPKF[Arg3550Trp]LILHTKLANP